The following is an entry in ClinVar:

ClinVar aggregate classification (germline): Uncertain significance (1 of 4 stars; one submission).

Submission:

GeneDx
Classification: Uncertain significance. Last evaluated: 2023-07-17. Review status: criteria provided, single submitter. Criteria: GeneDx Variant Classification Process June 2021. Collection method: clinical testing. Allele origin: germline. Affected: yes.
Comment: Not observed at significant frequency in large population cohorts (gnomAD); In silico analysis supports that this missense variant does not alter protein structure/function; Has not been previously published as pathogenic or benign to our knowledge

NM_014927.5(CNKSR2):c.764A>G (p.Lys255Arg)

Gene: CNKSR2 (connector enhancer of kinase suppressor of Ras 2; plus strand). Cytogenetic location: Xp22.12.
Variant type: single nucleotide variant.
Coding change: c.764A>G on transcript NM_014927.5 (MANE Select); coding-DNA position 764, A replaced by G.
Protein change: p.Lys255Arg; replaces lysine 255 with arginine.
Molecular consequence: missense variant.
Genome position (GRCh38, 1-based): chrX:21,501,542, A>G. VCF-style: chrX-21501542-A-G. GRCh37 (hg19) VCF-style: chrX-21519660-A-G.
Other names: c.764A>G, p.Lys255Arg (NM_001168647.3, NM_001168648.3, NM_001168649.3 and 4 more transcripts); short protein forms K255R.
Identifiers: ClinVar variation 3360862 (VCV003360862.1).
Genomic context (GRCh38, chrX:21,501,542, plus strand): 5'-ATTTATGTTCTTTATCGTTTCTTTTATATTAAATTCAGTCACCTGCAGATCGGTGCAAGA[A>G]AATCCATGCTGGCGATGAAGTGATTCAAGTTAATCATCAGACTGTGGTATGTATAATTAA-3'
Protein context (NP_055742.2, residues 245-265): TENSPADRCK[Lys255Arg]IHAGDEVIQV